The following is an entry in ClinVar:

NM_032043.3(BRIP1):c.1803A>G (p.Ser601=)

Gene: BRIP1 (BRCA1 interacting DNA helicase 1; minus strand). Cytogenetic location: 17q23.2.
Variant type: single nucleotide variant.
Coding change: c.1803A>G on transcript NM_032043.3 (MANE Select); coding-DNA position 1803, A replaced by G.
Protein change: p.Ser601=; no amino-acid change (serine 601 retained).
Molecular consequence: synonymous variant.
Genome position (GRCh38, 1-based): chr17:61,780,393, T>C on the plus strand (A>G on the coding strand, the complement: BRIP1 is on the minus strand). VCF-style: chr17-61780393-T-C. GRCh37 (hg19) VCF-style: chr17-59857754-T-C.
Identifiers: ClinVar variation 2449938 (VCV002449938.4), dbSNP rs973066055, ClinGen allele CA501150432.

ClinVar aggregate classification (germline): Benign/Likely benign. Review status: criteria provided, multiple submitters, no conflicts (2 of 4 stars). 3 submissions from 3 submitters: Benign (1); Likely benign (2). Last evaluated 2025-03-15.

Conditions:
Familial cancer of breast. Also called: hereditary breast carcinoma; Hereditary breast cancer; BREAST CANCER, FAMILIAL. Identifiers: Orphanet 227535, MedGen C0346153, MONDO:0016419, OMIM 114480. Disease mechanism: loss of function.
Hereditary cancer-predisposing syndrome. Also called: Hereditary neoplastic syndrome; Tumor predisposition; Neoplastic Syndromes, Hereditary; Hereditary Cancer Syndrome. Identifiers: Orphanet 140162, MedGen C0027672, MeSH D009386, MONDO:0015356.
Fanconi anemia complementation group J. Also called: BRIP1-Related Fanconi Anemia. Identifiers: Orphanet 84, MedGen C1836860, MONDO:0012187, OMIM 609054.

Submissions (3):

Labcorp Genetics (formerly Invitae), Labcorp
Classification: Likely benign for Familial cancer of breast; Fanconi anemia complementation group J. Last evaluated: 2025-03-15. Review status: criteria provided, single submitter. Criteria: Invitae Variant Classification Sherloc (09022015). Collection method: clinical testing. Allele origin: germline.

Myriad Genetics, Inc.
Classification: Benign for Familial cancer of breast. Last evaluated: 2024-08-29. Review status: criteria provided, single submitter. Criteria: Myriad Autosomal Dominant, Autosomal Recessive and X-Linked Classification Criteria (2023). Collection method: clinical testing. Allele origin: unknown.
Comment: This variant is considered benign. This variant is a silent/synonymous amino acid change and it is not expected to impact splicing.

Ambry Genetics
Classification: Likely benign for Hereditary cancer-predisposing syndrome. Last evaluated: 2023-02-09. Review status: criteria provided, single submitter. Criteria: Ambry Variant Classification Scheme 2023. Collection method: clinical testing. Allele origin: germline.